The following is an entry in ClinVar:

ClinVar aggregate classification (germline): Benign/Likely benign. Review status: criteria provided, multiple submitters, no conflicts (2 of 4 stars). 14 submissions from 14 submitters: Benign (9); Likely benign (1). 4 of the submissions do not count toward it. Last evaluated 2026-02-04.

Conditions:
Inborn genetic diseases. Identifiers: MedGen C0950123, MeSH D030342.
Cortical dysplasia-focal epilepsy syndrome (PTHSL1). Also called: Pitt-Hopkins-like syndrome 1. Identifiers: Orphanet 163681, Orphanet 221150, MedGen C2750246, MONDO:0012400, OMIM 610042.

Allele frequency attached by ClinVar (database versions not stated): 1000 Genomes Project 30x 0.09322; 1000 Genomes Project 0.09365; TOPMed 0.15962; gnomAD 0.17186 and 0.17471; ESP Exome Variant Server 0.17425; ExAC 0.18748.
gnomAD v4.1: 353,529 of 1,611,650 alleles (22%); highest among the groups gnomAD compares: Non-Finnish European, 25%; 42,120 homozygotes.

Submissions (14):

Labcorp Genetics (formerly Invitae), Labcorp
Classification: Benign for Cortical dysplasia-focal epilepsy syndrome. Last evaluated: 2026-02-04. Review status: criteria provided, single submitter. Criteria: Invitae Variant Classification Sherloc (09022015). Collection method: clinical testing. Allele origin: germline.

Blueprint Genetics
Classification: Likely benign. Last evaluated: 2024-11-27. Review status: criteria provided, single submitter. Criteria: ACMG Guidelines, 2015. Collection method: clinical testing. Allele origin: germline.

Mayo Clinic Laboratories, Mayo Clinic
Classification: Benign. Last evaluated: 2018-04-02. Review status: criteria provided, single submitter. Criteria: ACMG Guidelines, 2015. Collection method: clinical testing. Allele origin: germline. Observed: 207 variant alleles.

Illumina Laboratory Services, Illumina
Classification: Benign for Cortical dysplasia-focal epilepsy syndrome. Last evaluated: 2018-01-13. Review status: criteria provided, single submitter. Criteria: ICSL Variant Classification Criteria 13 December 2019. Collection method: clinical testing. Allele origin: germline.
Comment: This variant was observed in the ICSL laboratory as part of a predisposition screen in an ostensibly healthy population. It had not been previously curated by ICSL or reported in the Human Gene Mutation Database (HGMD: prior to June 1st, 2018), and was therefore a candidate for classification through an automated scoring system. Utilizing variant allele frequency, disease prevalence and penetrance estimates, and inheritance mode, an automated score was calculated to assess if this variant is too frequent to cause the disease. Based on the score and internal cut-off values, a variant classified as benign is not then subjected to further curation. The score for this variant resulted in a classification of benign for this disease.

Athena Diagnostics
Classification: Benign for Cortical dysplasia-focal epilepsy syndrome. Last evaluated: 2017-04-28. Review status: criteria provided, single submitter. Criteria: Athena Diagnostics Criteria. Collection method: clinical testing. Allele origin: germline.

Ambry Genetics
Classification: Benign for Inborn genetic diseases. Last evaluated: 2016-01-08. Review status: criteria provided, single submitter. Criteria: Ambry Variant Classification Scheme 2023. Collection method: clinical testing. Allele origin: germline.

GeneDx
Classification: Benign. Last evaluated: 2015-03-03. Review status: criteria provided, single submitter. Criteria: GeneDx Variant Classification Process June 2021. Collection method: clinical testing. Allele origin: germline. Affected: yes.

Eurofins Ntd Llc (ga)
Classification: Benign. Last evaluated: 2012-08-16. Review status: criteria provided, single submitter. Criteria: EGL Classification Definitions 2015. Collection method: clinical testing. Allele origin: germline. Observed: 8 variant alleles, 8 heterozygotes.

Breakthrough Genomics
Classification: Benign. Review status: criteria provided, single submitter. Criteria: ACMG Guidelines, 2015. Collection method: not provided. Allele origin: germline. Inheritance: Autosomal recessive inheritance. Affected: yes.

PreventionGenetics, part of Exact Sciences
Classification: Benign. Review status: criteria provided, single submitter. Criteria: ACMG Guidelines, 2015. Collection method: clinical testing. Allele origin: germline.

Clinical Genetics DNA and cytogenetics Diagnostics Lab, Erasmus MC, Erasmus Medical Center
Classification: Benign. Review status: no assertion criteria provided. Collection method: clinical testing. Allele origin: germline. Affected: yes. Study: VKGL Data-share Consensus. Not counted in ClinVar's aggregate classification.

Diagnostic Laboratory, Department of Genetics, University Medical Center Groningen
Classification: Benign. Review status: no assertion criteria provided. Collection method: clinical testing. Allele origin: germline. Affected: yes. Study: VKGL Data-share Consensus. Not counted in ClinVar's aggregate classification.

Genetic Services Laboratory, University of Chicago
Classification: Likely benign for AllHighlyPenetrant. Review status: no assertion criteria provided. Collection method: clinical testing. Allele origin: germline. Inheritance: Autosomal recessive inheritance. Not counted in ClinVar's aggregate classification.
Comment: Likely benign based on allele frequency in 1000 Genomes Project or ESP global frequency and its presence in a patient with a rare or unrelated disease phenotype. NOT Sanger confirmed.

Genome Diagnostics Laboratory, University Medical Center Utrecht
Classification: Benign. Review status: no assertion criteria provided. Collection method: clinical testing. Allele origin: germline. Affected: yes. Study: VKGL Data-share Consensus. Not counted in ClinVar's aggregate classification.

NM_014141.6(CNTNAP2):c.1659G>A (p.Ala553=)

Gene: CNTNAP2 (contactin associated protein 2; plus strand). Cytogenetic location: 7q35.
Variant type: single nucleotide variant.
Coding change: c.1659G>A on transcript NM_014141.6 (MANE Select); coding-DNA position 1659, G replaced by A.
Protein change: p.Ala553=; no amino-acid change (alanine 553 retained).
Molecular consequence: synonymous variant.
Genome position (GRCh38, 1-based): chr7:147,395,769, G>A. VCF-style: chr7-147395769-G-A. GRCh37 (hg19) VCF-style: chr7-147092861-G-A.
Other names: p.Ala553=.
Identifiers: ClinVar variation 95556 (VCV000095556.36), dbSNP rs34592169, ClinGen allele CA148617.
Genomic context (GRCh38, chr7:147,395,769, plus strand): 5'-ATACGAAGTGGCACAAAGGAAGCCGGGAAGTTTCGCGAATGTCAGCATTGACATGTGTGC[G>A]ATCATAGACAGGTAAATGATCTTTTCATCCTACCTCACGTTGTCCAAACTTTCCAAACCT-3'
Protein context (NP_054860.1, residues 543-563): SFANVSIDMC[Ala553=]IIDRCVPNHC